The following is an entry in ClinVar:

ClinVar aggregate classification (germline): Conflicting classifications of pathogenicity. Review status: criteria provided, conflicting classifications (1 of 4 stars). 2 submissions from 2 submitters: Uncertain significance (1); Likely benign (1). Last evaluated 2025-07-28.

Conditions:
Cyclical neutropenia. Also called: Cyclic hematopoiesis; Cyclic Neutropenia. Identifiers: Orphanet 2686, MedGen C0221023, MONDO:0008090, OMIM 162800, HP:0040289. Disease mechanism: loss of function.
Neutropenia, severe congenital, 1, autosomal dominant. Identifiers: MedGen C1859966, MONDO:0042490, OMIM 202700.
Inborn genetic diseases. Identifiers: MedGen C0950123, MeSH D030342.

Submissions (2):

Ambry Genetics
Classification: Likely benign for Inborn genetic diseases. Last evaluated: 2025-07-28. Review status: criteria provided, single submitter. Criteria: Ambry Variant Classification Scheme 2023. Collection method: clinical testing. Allele origin: germline.

Labcorp Genetics (formerly Invitae), Labcorp
Classification: Uncertain significance for Neutropenia, severe congenital, 1, autosomal dominant; Cyclical neutropenia. Last evaluated: 2022-06-22. Review status: criteria provided, single submitter. Criteria: Invitae Variant Classification Sherloc (09022015). Collection method: clinical testing. Allele origin: germline.
Comment: In summary, the available evidence is currently insufficient to determine the role of this variant in disease. Therefore, it has been classified as a Variant of Uncertain Significance. Algorithms developed to predict the effect of missense changes on protein structure and function output the following: SIFT: "Tolerated"; PolyPhen-2: "Benign"; Align-GVGD: "Class C0". The glutamine amino acid residue is found in multiple mammalian species, which suggests that this missense change does not adversely affect protein function. This variant has not been reported in the literature in individuals affected with ELANE-related conditions. This variant is present in population databases (rs199532353, gnomAD 0.04%). This sequence change replaces histidine, which is basic and polar, with glutamine, which is neutral and polar, at codon 213 of the ELANE protein (p.His213Gln).

NM_001972.4(ELANE):c.639C>A (p.His213Gln)

Gene: ELANE (elastase, neutrophil expressed; plus strand). Cytogenetic location: 19p13.3.
Variant type: single nucleotide variant.
Coding change: c.639C>A on transcript NM_001972.4 (MANE Select); coding-DNA position 639, C replaced by A.
Protein change: p.His213Gln; replaces histidine 213 with glutamine.
Molecular consequence: missense variant.
Genome position (GRCh38, 1-based): chr19:855,999, C>A. VCF-style: chr19-855999-C-A. GRCh37 (hg19) VCF-style: chr19-855999-C-A.
Other names: short protein forms H213Q.
Identifiers: ClinVar variation 1988509 (VCV001988509.5), dbSNP rs199532353, ClinGen allele CA9026125.
Genomic context (GRCh38, chr19:855,999, plus strand): 5'-ACCTTGTCTGCCTCCACAGGGGGACTCCGGCAGCCCCTTGGTCTGCAACGGGCTAATCCA[C>A]GGAATTGCCTCCTTCGTCCGGGGAGGCTGCGCCTCAGGGCTCTACCCCGATGCCTTTGCC-3'
Protein context (NP_001963.1, residues 203-223): GSPLVCNGLI[His213Gln]GIASFVRGGC